The following is an entry in ClinVar:

ClinVar aggregate classification (germline): Uncertain significance. Review status: criteria provided, multiple submitters, no conflicts (2 of 4 stars). 2 submissions from 2 submitters: Uncertain significance (2). Last evaluated 2023-04-09.

Conditions:
Primary dilated cardiomyopathy (DCM). Also called: Dilated Cardiomyopathy. Identifiers: Orphanet 217604, MedGen C0007193, MeSH D002311, MONDO:0005021, HP:0001644. Inheritance: Various modes of inheritance.
Hypertrophic cardiomyopathy. Also called: HYPERTROPHIC MYOCARDIOPATHY. Identifiers: Orphanet 217569, MedGen C0007194, MeSH D002312, MONDO:0005045, HP:0001639.

Allele frequency attached by ClinVar (database versions not stated): gnomAD 0.00001; TOPMed 0.00001; ExAC 0.00002; gnomAD exomes 0.00003; ESP Exome Variant Server 0.00008.
gnomAD v4.1: 38 of 1,612,678 alleles (0.0024%); highest among the groups gnomAD compares: Non-Finnish European, 0.0031%; no homozygotes.

Submissions (2):

Ambry Genetics
Classification: Uncertain significance. Last evaluated: 2023-04-09. Review status: criteria provided, single submitter. Criteria: Ambry Variant Classification Scheme 2023. Collection method: clinical testing. Allele origin: germline.
Comment: The p.P244H variant (also known as c.731C>A), located in coding exon 6 of the PDLIM3 gene, results from a C to A substitution at nucleotide position 731. The proline at codon 244 is replaced by histidine, an amino acid with similar properties. This amino acid position is conserved. In addition, this alteration is predicted to be tolerated by in silico analysis. Since supporting evidence is limited at this time, the clinical significance of this alteration remains unclear.

Labcorp Genetics (formerly Invitae), Labcorp
Classification: Uncertain significance for Hypertrophic cardiomyopathy; Primary dilated cardiomyopathy. Last evaluated: 2023-01-10. Review status: criteria provided, single submitter. Criteria: Invitae Variant Classification Sherloc (09022015). Collection method: clinical testing. Allele origin: germline.
Comment: This sequence change replaces proline, which is neutral and non-polar, with histidine, which is basic and polar, at codon 244 of the PDLIM3 protein (p.Pro244His). In summary, the available evidence is currently insufficient to determine the role of this variant in disease. Therefore, it has been classified as a Variant of Uncertain Significance. Advanced modeling of protein sequence and biophysical properties (such as structural, functional, and spatial information, amino acid conservation, physicochemical variation, residue mobility, and thermodynamic stability) performed at Invitae indicates that this missense variant is not expected to disrupt PDLIM3 protein function. This variant has not been reported in the literature in individuals affected with PDLIM3-related conditions. This variant is present in population databases (rs374935162, gnomAD 0.004%).

NM_014476.6(PDLIM3):c.731C>A (p.Pro244His)

Gene: PDLIM3 (PDZ and LIM domain 3; minus strand). Cytogenetic location: 4q35.1.
Variant type: single nucleotide variant.
Coding change: c.731C>A on transcript NM_014476.6 (MANE Select); coding-DNA position 731, C replaced by A.
Protein change: p.Pro244His; replaces proline 244 with histidine.
Molecular consequence: missense variant. On other transcripts: non-coding transcript variant (1).
Genome position (GRCh38, 1-based): chr4:185,506,584, G>T on the plus strand (C>A on the coding strand, the complement: PDLIM3 is on the minus strand). VCF-style: chr4-185506584-G-T. GRCh37 (hg19) VCF-style: chr4-186427738-G-T.
Other names: c.587C>A, p.Pro196His (NM_001114107.5); c.467C>A, p.Pro156His (NM_001257962.2); c.230C>A, p.Pro77His (NM_001257963.2); short protein forms P244H, P77H, P156H, P196H.
Identifiers: ClinVar variation 2563481 (VCV002563481.5), dbSNP rs374935162, ClinGen allele CA3159710.